The following is an entry in ClinVar:

ClinVar aggregate classification (germline): Likely benign. Review status: criteria provided, multiple submitters, no conflicts (2 of 4 stars). 5 submissions from 5 submitters: Likely benign (5). Last evaluated 2026-01-18.

Conditions:
RYR1-related disorder. Also called: RYR1-related disorders; RYR1-related condition. Identifiers: MedGen CN239331.
Malignant hyperthermia, susceptibility to, 1 (MHS1). Also called: Anesthesia related hyperthermia; Malignant hyperpyrexia; Fulminating hyperpyrexia; Pharmacogenic myopathy; RYR1-Related Malignant Hyperthermia Susceptibility; Malignant hyperthermia suceptibility 1. Identifiers: Orphanet 423, MedGen C2930980, MONDO:0007783, OMIM 145600.

Allele frequency attached by ClinVar (database versions not stated): ExAC 0.00001; gnomAD exomes 0.00002; gnomAD 0.00005 and 0.00006; TOPMed 0.00005; ESP Exome Variant Server 0.00015.

Submissions (5):

Labcorp Genetics (formerly Invitae), Labcorp
Classification: Likely benign for RYR1-related disorder. Last evaluated: 2026-01-18. Review status: criteria provided, single submitter. Criteria: Invitae Variant Classification Sherloc (09022015). Collection method: clinical testing. Allele origin: germline.

CeGaT Center for Human Genetics Tuebingen
Classification: Likely benign. Last evaluated: 2025-09-01. Review status: criteria provided, single submitter. Criteria: CeGaT Center For Human Genetics Tuebingen Variant Classification Criteria Version 2. Collection method: clinical testing. Allele origin: germline. Affected: yes. Observed: 1 variant allele.
Comment: RYR1: BP4, BP7

Blueprint Genetics
Classification: Likely benign. Last evaluated: 2023-12-14. Review status: criteria provided, single submitter. Criteria: ACMG Guidelines, 2015. Collection method: clinical testing. Allele origin: germline.

All of Us Research Program, National Institutes of Health
Classification: Likely benign for Malignant hyperthermia, susceptibility to, 1. Last evaluated: 2023-12-13. Review status: criteria provided, single submitter. Criteria: ACMG Guidelines, 2015. Collection method: clinical testing. Allele origin: germline. Inheritance: Autosomal dominant inheritance. Observed: 11 variant alleles, 11 heterozygotes.
Comment: This study involves interpretation of variants in research participants for the purpose of population health screening. Participant phenotype was not available at the time of variant classification. Additional details can be found in publication PMID: 35346344, PMCID: PMC8962531

Color Diagnostics, LLC DBA Color Health
Classification: Likely benign for Malignant hyperthermia, susceptibility to, 1. Last evaluated: 2022-11-06. Review status: criteria provided, single submitter. Criteria: ACMG Guidelines, 2015. Collection method: clinical testing. Allele origin: germline.

NM_000540.3(RYR1):c.2256G>A (p.Pro752=)

Gene: RYR1 (ryanodine receptor 1; plus strand). Cytogenetic location: 19q13.2.
Variant type: single nucleotide variant.
Coding change: c.2256G>A on transcript NM_000540.3 (MANE Select); coding-DNA position 2256, G replaced by A.
Protein change: p.Pro752=; no amino-acid change (proline 752 retained).
Molecular consequence: synonymous variant.
Genome position (GRCh38, 1-based): chr19:38,459,234, G>A. VCF-style: chr19-38459234-G-A. GRCh37 (hg19) VCF-style: chr19-38949874-G-A.
Other names: c.2256G>A, p.Pro752= (NM_001042723.2).
Identifiers: ClinVar variation 701231 (VCV000701231.17), dbSNP rs149649489, ClinGen allele CA063059.